The following is an entry in ClinVar:

NM_005144.5(HR):c.188C>G (p.Pro63Arg)

Gene: HR (HR lysine demethylase and nuclear receptor corepressor; minus strand). Cytogenetic location: 8p21.3.
Variant type: single nucleotide variant.
Coding change: c.188C>G on transcript NM_005144.5 (MANE Select); coding-DNA position 188, C replaced by G.
Protein change: p.Pro63Arg; replaces proline 63 with arginine.
Molecular consequence: missense variant.
Genome position (GRCh38, 1-based): chr8:22,128,983, G>C on the plus strand (C>G on the coding strand, the complement: HR is on the minus strand). VCF-style: chr8-22128983-G-C. GRCh37 (hg19) VCF-style: chr8-21986496-G-C.
Other names: c.188C>G, p.Pro63Arg (NM_018411.4); short protein forms P63R.
Identifiers: ClinVar variation 362529 (VCV000362529.17), dbSNP rs73549525, ClinGen allele CA4662769.

ClinVar aggregate classification (germline): Benign. Review status: criteria provided, multiple submitters, no conflicts (2 of 4 stars). 6 submissions from 5 submitters: Benign (6). Last evaluated 2026-01-08.

Conditions:
Alopecia universalis congenita (ALUNC). Also called: ATRICHIA, GENERALIZED. Identifiers: Orphanet 701, MedGen C1859877, MONDO:0008757, OMIM 203655.
Atrichia with papular lesions (APL). Also called: PAPULAR ATRICHIA. Identifiers: Orphanet 86819, MedGen C1859592, MONDO:0008847, OMIM 209500.
HR-related disorder. Also called: HR-related condition; HR-related disorders. Identifiers: MedGen CN239293.

Allele frequency attached by ClinVar (database versions not stated): gnomAD exomes 0.00297 and 0.00786; ExAC 0.00967; 1000 Genomes Project 0.02776; gnomAD 0.02855 and 0.03073; 1000 Genomes Project 30x 0.02889; TOPMed 0.03263; ESP Exome Variant Server 0.03352.
gnomAD v4.1: 8,908 of 1,613,254 alleles (0.55%); highest among the groups gnomAD compares: African/African-American, 10%; 415 homozygotes.

Submissions (6):

Labcorp Genetics (formerly Invitae), Labcorp
Classification: Benign. Last evaluated: 2026-01-08. Review status: criteria provided, single submitter. Criteria: Invitae Variant Classification Sherloc (09022015). Collection method: clinical testing. Allele origin: germline.

PreventionGenetics, part of Exact Sciences
Classification: Benign for HR-related condition. Last evaluated: 2025-02-24. Review status: criteria provided, single submitter. Criteria: ACMG Guidelines, 2015. Collection method: clinical testing. Allele origin: germline.
Comment: This variant is classified as benign based on ACMG/AMP sequence variant interpretation guidelines (Richards et al. 2015 PMID: 25741868, with internal and published modifications).

GeneDx
Classification: Benign. Last evaluated: 2021-06-09. Review status: criteria provided, single submitter. Criteria: GeneDx Variant Classification Process June 2021. Collection method: clinical testing. Allele origin: germline. Affected: yes.

Illumina Laboratory Services, Illumina
Classification: Benign for Atrichia with papular lesions. Last evaluated: 2018-01-13. Review status: criteria provided, single submitter. Criteria: ICSL Variant Classification Criteria 13 December 2019. Collection method: clinical testing. Allele origin: germline.
Comment: This variant was observed in the ICSL laboratory as part of a predisposition screen in an ostensibly healthy population. It had not been previously curated by ICSL or reported in the Human Gene Mutation Database (HGMD: prior to June 1st, 2018), and was therefore a candidate for classification through an automated scoring system. Utilizing variant allele frequency, disease prevalence and penetrance estimates, and inheritance mode, an automated score was calculated to assess if this variant is too frequent to cause the disease. Based on the score and internal cut-off values, a variant classified as benign is not then subjected to further curation. The score for this variant resulted in a classification of benign for this disease.

Illumina Laboratory Services, Illumina
Classification: Benign for Alopecia universalis congenita. Last evaluated: 2018-01-13. Review status: criteria provided, single submitter. Criteria: ICSL Variant Classification Criteria 13 December 2019. Collection method: clinical testing. Allele origin: germline.
Comment: the same text as in the submission from Illumina Laboratory Services, Illumina above.

Breakthrough Genomics
Classification: Benign. Review status: criteria provided, single submitter. Criteria: ACMG Guidelines, 2015. Collection method: not provided. Allele origin: germline. Inheritance: Autosomal recessive inheritance. Affected: yes.